The following is an entry in ClinVar:

ClinVar aggregate classification (germline): Uncertain significance (1 of 4 stars; one submission).

Allele frequency attached by ClinVar (database versions not stated): gnomAD exomes below 0.00001.
gnomAD v4.1: 1 of 1,614,136 alleles (0.000062%); highest among the groups gnomAD compares: Middle Eastern, 0.016%; no homozygotes.

Submission:

Labcorp Genetics (formerly Invitae), Labcorp
Classification: Uncertain significance. Last evaluated: 2021-12-24. Review status: criteria provided, single submitter. Criteria: Invitae Variant Classification Sherloc (09022015). Collection method: clinical testing. Allele origin: germline.
Comment: In summary, the available evidence is currently insufficient to determine the role of this variant in disease. Therefore, it has been classified as a Variant of Uncertain Significance. Advanced modeling of protein sequence and biophysical properties (such as structural, functional, and spatial information, amino acid conservation, physicochemical variation, residue mobility, and thermodynamic stability) performed at Invitae indicates that this missense variant is not expected to disrupt COL9A1 protein function. This variant has not been reported in the literature in individuals affected with COL9A1-related conditions. This variant is not present in population databases (gnomAD no frequency). This sequence change replaces proline, which is neutral and non-polar, with leucine, which is neutral and non-polar, at codon 716 of the COL9A1 protein (p.Pro716Leu).

NM_001851.6(COL9A1):c.2147C>T (p.Pro716Leu)

Gene: COL9A1 (collagen type IX alpha 1 chain; minus strand). Cytogenetic location: 6q13.
Variant type: single nucleotide variant.
Coding change: c.2147C>T on transcript NM_001851.6 (MANE Select); coding-DNA position 2147, C replaced by T.
Protein change: p.Pro716Leu; replaces proline 716 with leucine.
Molecular consequence: missense variant. On other transcripts: non-coding transcript variant (1), intron variant (1).
Genome position (GRCh38, 1-based): chr6:70,234,906, G>A on the plus strand (C>T on the coding strand, the complement: COL9A1 is on the minus strand). VCF-style: chr6-70234906-G-A. GRCh37 (hg19) VCF-style: chr6-70944609-G-A.
Other names: c.1448C>T, p.Pro483Leu (NM_001377289.1); c.1418C>T, p.Pro473Leu (NM_078485.4); c.1384-313C>T (NM_001377290.1); short protein forms P716L, P473L, P483L.
Identifiers: ClinVar variation 2056513 (VCV002056513.2), dbSNP rs1769806241, ClinGen allele CA364673505.